The following is an entry in ClinVar:

NM_004523.4(KIF11):c.1769C>T (p.Thr590Ile)

Gene: KIF11 (kinesin family member 11; plus strand). Cytogenetic location: 10q23.33.
Variant type: single nucleotide variant.
Coding change: c.1769C>T on transcript NM_004523.4 (MANE Select); coding-DNA position 1769, C replaced by T.
Protein change: p.Thr590Ile; replaces threonine 590 with isoleucine.
Molecular consequence: missense variant.
Genome position (GRCh38, 1-based): chr10:92,633,689, C>T. VCF-style: chr10-92633689-C-T. GRCh37 (hg19) VCF-style: chr10-94393446-C-T.
Other names: short protein forms T590I.
Identifiers: ClinVar variation 2811448 (VCV002811448.3), dbSNP rs1287781457, ClinGen allele CA377592657.

ClinVar aggregate classification (germline): Uncertain significance (1 of 4 stars; one submission).

Allele frequency attached by ClinVar (database versions not stated): gnomAD exomes below 0.00001; TOPMed below 0.00001; gnomAD 0.00001.
gnomAD v4.1: 5 of 1,601,536 alleles (0.00031%); highest among the groups gnomAD compares: East Asian, 0.0022%; no homozygotes.

Submission:

Labcorp Genetics (formerly Invitae), Labcorp
Classification: Uncertain significance. Last evaluated: 2023-11-17. Review status: criteria provided, single submitter. Criteria: Invitae Variant Classification Sherloc (09022015). Collection method: clinical testing. Allele origin: germline.
Comment: This sequence change replaces threonine, which is neutral and polar, with isoleucine, which is neutral and non-polar, at codon 590 of the KIF11 protein (p.Thr590Ile). This variant is present in population databases (no rsID available, gnomAD 0.06%). This variant has not been reported in the literature in individuals affected with KIF11-related conditions. Advanced modeling of protein sequence and biophysical properties (such as structural, functional, and spatial information, amino acid conservation, physicochemical variation, residue mobility, and thermodynamic stability) performed at Invitae indicates that this missense variant is not expected to disrupt KIF11 protein function with a negative predictive value of 80%. In summary, the available evidence is currently insufficient to determine the role of this variant in disease. Therefore, it has been classified as a Variant of Uncertain Significance.